The following is an entry in ClinVar:

ClinVar aggregate classification (germline): Uncertain significance (1 of 4 stars; one submission).

Conditions:
Progressive familial heart block type IB (PFHB1B). Identifiers: Orphanet 871, MedGen C1970298, MONDO:0011474, OMIM 604559.

gnomAD v4.1: 1 of 1,614,180 alleles (0.000062%); highest among the groups gnomAD compares: Non-Finnish European, 0.000085%; no homozygotes.

Submission:

Labcorp Genetics (formerly Invitae), Labcorp
Classification: Uncertain significance for Progressive familial heart block type IB. Last evaluated: 2025-11-12. Review status: criteria provided, single submitter. Criteria: Invitae Variant Classification Sherloc (09022015). Collection method: clinical testing. Allele origin: germline.
Comment: This sequence change replaces leucine, which is neutral and non-polar, with valine, which is neutral and non-polar, at codon 590 of the TRPM4 protein (p.Leu590Val). This variant is not present in population databases (gnomAD no frequency). This variant has not been reported in the literature in individuals affected with TRPM4-related conditions. An algorithm developed to predict the effect of missense changes on protein structure and function (PolyPhen-2) suggests that this variant is likely to be disruptive. In summary, the available evidence is currently insufficient to determine the role of this variant in disease. Therefore, it has been classified as a Variant of Uncertain Significance.

NM_017636.4(TRPM4):c.1768C>G (p.Leu590Val)

Gene: TRPM4 (transient receptor potential cation channel subfamily M member 4; plus strand). Cytogenetic location: 19q13.33.
Variant type: single nucleotide variant.
Coding change: c.1768C>G on transcript NM_017636.4 (MANE Select); coding-DNA position 1768, C replaced by G.
Protein change: p.Leu590Val; replaces leucine 590 with valine.
Molecular consequence: missense variant.
Genome position (GRCh38, 1-based): chr19:49,188,665, C>G. VCF-style: chr19-49188665-C-G. GRCh37 (hg19) VCF-style: chr19-49691922-C-G.
Other names: c.1768C>G, p.Leu590Val (NM_001195227.2); c.1423C>G, p.Leu475Val (NM_001321281.2); c.160C>G, p.Leu54Val (NM_001321282.2); c.1246C>G, p.Leu416Val (NM_001321283.2); c.706C>G, p.Leu236Val (NM_001321285.2); short protein forms L475V, L236V, L416V, L590V, L54V.
Identifiers: ClinVar variation 4692219 (VCV004692219.1).